The following is an entry in ClinVar:

ClinVar aggregate classification (germline): Uncertain significance. Review status: criteria provided, multiple submitters, no conflicts (2 of 4 stars). 2 submissions from 2 submitters: Uncertain significance (2). Last evaluated 2024-10-21.

Conditions:
RASopathy. Also called: Noonan spectrum disorder; rasopathies. Identifiers: Orphanet 536391, MedGen C5555857, MONDO:0021060.

Submissions (2):

Labcorp Genetics (formerly Invitae), Labcorp
Classification: Uncertain significance for RASopathy. Last evaluated: 2024-10-21. Review status: criteria provided, single submitter. Criteria: Invitae Variant Classification Sherloc (09022015). Collection method: clinical testing. Allele origin: germline.
Comment: This sequence change replaces tyrosine, which is neutral and polar, with serine, which is neutral and polar, at codon 198 of the BRAF protein (p.Tyr198Ser). This variant is not present in population databases (gnomAD no frequency). This variant has not been reported in the literature in individuals affected with BRAF-related conditions. Invitae Evidence Modeling of protein sequence and biophysical properties (such as structural, functional, and spatial information, amino acid conservation, physicochemical variation, residue mobility, and thermodynamic stability) indicates that this missense variant is expected to disrupt BRAF protein function with a positive predictive value of 95%. In summary, the available evidence is currently insufficient to determine the role of this variant in disease. Therefore, it has been classified as a Variant of Uncertain Significance.

GeneDx
Classification: Uncertain significance. Last evaluated: 2023-08-03. Review status: criteria provided, single submitter. Criteria: GeneDx Variant Classification Process June 2021. Collection method: clinical testing. Allele origin: germline. Affected: yes.
Comment: Not observed at significant frequency in large population cohorts (gnomAD); Missense variants in this gene are often considered pathogenic (HGMD); In silico analysis supports that this missense variant has a deleterious effect on protein structure/function; Has not been previously published as pathogenic or benign to our knowledge; This variant is associated with the following publications: (PMID: 29493581)

NM_004333.6(BRAF):c.593A>C (p.Tyr198Ser)

Gene: BRAF (B-Raf proto-oncogene, serine/threonine kinase; minus strand). Cytogenetic location: 7q34.
Variant type: single nucleotide variant.
Coding change: c.593A>C on transcript NM_004333.6 (MANE Select); coding-DNA position 593, A replaced by C.
Protein change: p.Tyr198Ser; replaces tyrosine 198 with serine.
Molecular consequence: missense variant.
Genome position (GRCh38, 1-based): chr7:140,808,907, T>G on the plus strand (A>C on the coding strand, the complement: BRAF is on the minus strand). VCF-style: chr7-140808907-T-G. GRCh37 (hg19) VCF-style: chr7-140508707-T-G.
Other names: c.593A>C, p.Tyr198Ser (NM_001354609.2, NM_001374244.1, NM_001374258.1 and 5 more transcripts); c.491A>C, p.Tyr164Ser (NM_001378470.1); c.437A>C, p.Tyr146Ser (NM_001378472.1, NM_001378473.1); c.329A>C, p.Tyr110Ser (NM_001378475.1); short protein forms Y198S, Y110S, Y146S, Y164S.
Identifiers: ClinVar variation 2737125 (VCV002737125.4), dbSNP rs2536364527, ClinGen allele CA369591501.